The following is an entry in ClinVar:

ClinVar aggregate classification (germline): Likely benign (1 of 4 stars; one submission).

Conditions:
ARF1-related disorder. Also called: ARF1-related condition.

gnomAD v4.1: 4 of 1,613,554 alleles (0.00025%); highest among the groups gnomAD compares: East Asian, 0.0022%; no homozygotes.

Submission:

PreventionGenetics, part of Exact Sciences
Classification: Likely benign for ARF1-related condition. Last evaluated: 2026-01-18. Review status: criteria provided, single submitter. Criteria: ACMG Guidelines, 2015. Collection method: clinical testing. Allele origin: germline.
Comment: This variant is classified as likely benign based on ACMG/AMP sequence variant interpretation guidelines (Richards et al. 2015 PMID: 25741868, with internal and published modifications).

NM_001658.4(ARF1):c.349C>A (p.Arg117=)

Genes: ARF1 (ARF GTPase 1; plus strand), LOC126806039 (CDK7 strongly-dependent group 2 enhancer GRCh37_chr1:228284937-228286136; plus strand). Cytogenetic location: 1q42.13.
Variant type: single nucleotide variant.
Coding change: c.349C>A on transcript NM_001658.4 (MANE Select); coding-DNA position 349, C replaced by A.
Protein change: p.Arg117=; no amino-acid change (arginine 117 retained).
Molecular consequence: synonymous variant.
Genome position (GRCh38, 1-based): chr1:228,097,680, C>A. VCF-style: chr1-228097680-C-A. GRCh37 (hg19) VCF-style: chr1-228285381-C-A.
Other names: c.349C>A, p.Arg117= (NM_001024226.2, NM_001024227.1, NM_001024228.2).
Identifiers: ClinVar variation 4980855 (VCV004980855.1).